The following is an entry in ClinVar:

NM_001005271.3(CHD3):c.151G>C (p.Val51Leu)

Genes: CHD3 (chromodomain helicase DNA binding protein 3; plus strand), NAA38 (N-alpha-acetyltransferase 38, NatC auxiliary subunit; minus strand). Cytogenetic location: 17p13.1.
Variant type: single nucleotide variant.
Coding change: c.151G>C on transcript NM_001005271.3; coding-DNA position 151, G replaced by C.
Protein change: p.Val51Leu; replaces valine 51 with leucine.
Molecular consequence: missense variant. On other transcripts: intron variant (1).
Genome position (GRCh38, 1-based): chr17:7,884,957, G>C. VCF-style: chr17-7884957-G-C. GRCh37 (hg19) VCF-style: chr17-7788275-G-C.
Other names: c.151G>C, p.Val51Leu (NM_001437504.1, NM_001437507.1, NM_001437508.1 and 1 more transcripts); c.-167+208C>G (NM_001330111.2); short protein forms V51L.
Identifiers: ClinVar variation 3491951 (VCV003491951.2).

ClinVar aggregate classification (germline): Uncertain significance. Review status: criteria provided, multiple submitters, no conflicts (2 of 4 stars). 2 submissions from 2 submitters: Uncertain significance (2). Last evaluated 2024-09-19.

Conditions:
Inborn genetic diseases. Identifiers: MedGen C0950123, MeSH D030342.

gnomAD v4.1: 1 of 1,350,774 alleles (0.000074%); highest among the groups gnomAD compares: Admixed American, 0.0027%; no homozygotes.

Submissions (2):

GeneDx
Classification: Uncertain significance. Last evaluated: 2024-09-19. Review status: criteria provided, single submitter. Criteria: GeneDx Variant Classification Process June 2021. Collection method: clinical testing. Allele origin: germline. Affected: yes.
Comment: Not observed at significant frequency in large population cohorts (gnomAD); In silico analysis indicates that this missense variant does not alter protein structure/function; Has not been previously published as pathogenic or benign to our knowledge

Ambry Genetics
Classification: Uncertain significance for Inborn genetic diseases. Last evaluated: 2024-08-14. Review status: criteria provided, single submitter. Criteria: Ambry Variant Classification Scheme 2023. Collection method: clinical testing. Allele origin: germline.